The following is an entry in ClinVar:

ClinVar aggregate classification (germline): Uncertain significance. Review status: criteria provided, multiple submitters, no conflicts (2 of 4 stars). 2 submissions from 2 submitters: Uncertain significance (2). Last evaluated 2024-10-14.

Conditions:
Developmental and epileptic encephalopathy, 42 (DEE42A). Also called: DEVELOPMENTAL AND EPILEPTIC ENCEPHALOPATHY 42A; EPILEPTIC ENCEPHALOPATHY, EARLY INFANTILE, 42A; Epileptic encephalopathy, early infantile, 42. Identifiers: MedGen C4310716, MONDO:0014917, OMIM 617106.
Episodic ataxia type 2 (EA2). Also called: ATAXIA, EPISODIC, WITH NYSTAGMUS; ATAXIA, FAMILIAL PAROXYSMAL; CEREBELLAR ATAXIA, PAROXYSMAL, ACETAZOLAMIDE-RESPONSIVE; ACETAZOLAMIDE-RESPONSIVE HEREDITARY PAROXYSMAL CEREBELLAR ATAXIA; CEREBELLOPATHY, HEREDITARY PAROXYSMAL; EPISODIC ATAXIA, NYSTAGMUS-ASSOCIATED. Identifiers: Orphanet 97, MedGen C1720416, MONDO:0007163, OMIM 108500.

Allele frequency attached by ClinVar (database versions not stated): gnomAD exomes 0.00001.
gnomAD v4.1: 3 of 1,581,508 alleles (0.00019%); highest among the groups gnomAD compares: Non-Finnish European, 0.00026%; no homozygotes.

Submissions (2):

Labcorp Genetics (formerly Invitae), Labcorp
Classification: Uncertain significance for Developmental and epileptic encephalopathy, 42; Episodic ataxia type 2. Last evaluated: 2024-10-14. Review status: criteria provided, single submitter. Criteria: Invitae Variant Classification Sherloc (09022015). Collection method: clinical testing. Allele origin: germline.
Comment: This sequence change replaces valine, which is neutral and non-polar, with isoleucine, which is neutral and non-polar, at codon 197 of the CACNA1A protein (p.Val197Ile). This variant is not present in population databases (gnomAD no frequency). This variant has not been reported in the literature in individuals affected with CACNA1A-related conditions. ClinVar contains an entry for this variant (Variation ID: 949326). Invitae Evidence Modeling of protein sequence and biophysical properties (such as structural, functional, and spatial information, amino acid conservation, physicochemical variation, residue mobility, and thermodynamic stability) has been performed for this missense variant. However, the output from this modeling did not meet the statistical confidence thresholds required to predict the impact of this variant on CACNA1A protein function. In summary, the available evidence is currently insufficient to determine the role of this variant in disease. Therefore, it has been classified as a Variant of Uncertain Significance.

GeneDx
Classification: Uncertain significance. Last evaluated: 2021-06-29. Review status: criteria provided, single submitter. Criteria: GeneDx Variant Classification Process June 2021. Collection method: clinical testing. Allele origin: germline. Affected: yes.
Comment: Has not been previously published as pathogenic or benign to our knowledge; Not observed at significant frequency in large population cohorts (Lek et al., 2016); In silico analysis, which includes protein predictors and evolutionary conservation, supports that this variant does not alter protein structure/function; This variant is associated with the following publications: (PMID: 27535533)

NM_001127222.2(CACNA1A):c.589G>A (p.Val197Ile)

Gene: CACNA1A (calcium voltage-gated channel subunit alpha1 A; minus strand). Cytogenetic location: 19p13.13.
Variant type: single nucleotide variant.
Coding change: c.589G>A on transcript NM_001127222.2 (MANE Select); coding-DNA position 589, G replaced by A.
Protein change: p.Val197Ile; replaces valine 197 with isoleucine.
Molecular consequence: missense variant.
Genome position (GRCh38, 1-based): chr19:13,371,730, C>T on the plus strand (G>A on the coding strand, the complement: CACNA1A is on the minus strand). VCF-style: chr19-13371730-C-T. GRCh37 (hg19) VCF-style: chr19-13482544-C-T.
Other names: c.589G>A, p.Val197Ile (NM_000068.4, NM_001127221.2, NM_001174080.2 and 1 more transcripts); short protein forms V197I.
Identifiers: ClinVar variation 949326 (VCV000949326.12), dbSNP rs1005884911, ClinGen allele CA305562416.